The following is an entry in ClinVar:

ClinVar aggregate classification (germline): Uncertain significance. Review status: criteria provided, single submitter (1 of 4 stars). 2 submissions from 2 submitters: Uncertain significance (1). 1 of the submissions does not count toward it. Last evaluated 2026-04-23.

Conditions:
Glutaric acidemia type 2A.

Submissions (2):

Women's Health and Genetics/Laboratory Corporation of America, LabCorp
Classification: Uncertain significance. Last evaluated: 2026-04-23. Review status: criteria provided, single submitter. Criteria: LabCorp Variant Classification Summary - May 2015. Collection method: clinical testing. Allele origin: germline.
Comment: Variant summary: ETFA c.824A>C (p.Tyr275Ser) results in a non-conservative amino acid change in the encoded protein sequence. Algorithms developed to predict the effect of missense changes on protein structure and function all suggest that this variant is likely to be disruptive. The variant allele was found at a frequency of 4e-06 in 251232 control chromosomes. The available data on variant occurrences in the general population are insufficient to allow any conclusion about variant significance. To our knowledge, no occurrence of c.824A>C in individuals affected with ETFA-related conditions and no experimental evidence demonstrating its impact on protein function have been reported. ClinVar contains an entry for this variant (Variation ID: 4067428). Based on the evidence outlined above, the variant was classified as uncertain significance.

Natera, Inc.
Classification: Uncertain significance for Glutaric acidemia type 2A. Last evaluated: 2025-03-21. Review status: no assertion criteria provided. Collection method: clinical testing. Allele origin: germline. Not counted in ClinVar's aggregate classification.

NM_000126.4(ETFA):c.824A>C (p.Tyr275Ser)

Gene: ETFA (electron transfer flavoprotein subunit alpha; minus strand). Cytogenetic location: 15q24.2.
Variant type: single nucleotide variant.
Coding change: c.824A>C on transcript NM_000126.4 (MANE Select); coding-DNA position 824, A replaced by C.
Protein change: p.Tyr275Ser; replaces tyrosine 275 with serine.
Molecular consequence: missense variant.
Genome position (GRCh38, 1-based): chr15:76,231,391, T>G on the plus strand (A>C on the coding strand, the complement: ETFA is on the minus strand). VCF-style: chr15-76231391-T-G. GRCh37 (hg19) VCF-style: chr15-76523732-T-G.
Other names: c.677A>C, p.Tyr226Ser (NM_001127716.2); short protein forms Y226S, Y275S.
Identifiers: ClinVar variation 4067428 (VCV004067428.2).